The following is an entry in ClinVar:

NM_031372.4(HNRNPDL):c.251A>C (p.Asp84Ala)

Gene: HNRNPDL (heterogeneous nuclear ribonucleoprotein D like; minus strand). Cytogenetic location: 4q21.22.
Variant type: single nucleotide variant.
Coding change: c.251A>C on transcript NM_031372.4 (MANE Select); coding-DNA position 251, A replaced by C.
Protein change: p.Asp84Ala; replaces aspartic acid 84 with alanine.
Molecular consequence: missense variant. On other transcripts: non-coding transcript variant (1).
Genome position (GRCh38, 1-based): chr4:82,429,440, T>G on the plus strand (A>C on the coding strand, the complement: HNRNPDL is on the minus strand). VCF-style: chr4-82429440-T-G. GRCh37 (hg19) VCF-style: chr4-83350593-T-G.
Other names: c.251A>C, p.Asp84Ala (NM_001207000.1); short protein forms D84A.
Identifiers: ClinVar variation 4754410 (VCV004754410.1).

ClinVar aggregate classification (germline): Uncertain significance (1 of 4 stars; one submission).

Conditions:
Autosomal dominant limb-girdle muscular dystrophy type 1G (LGMDD3). Also called: Limb-girdle muscular dystrophy, type 1G; MUSCULAR DYSTROPHY, LIMB-GIRDLE, AUTOSOMAL DOMINANT 3. Identifiers: Orphanet 55596, MedGen C1836765, MONDO:0012193, OMIM 609115.

gnomAD v4.1: 1 of 1,609,620 alleles (0.000062%); highest among the groups gnomAD compares: Non-Finnish European, 0.000085%; no homozygotes.

Submission:

Labcorp Genetics (formerly Invitae), Labcorp
Classification: Uncertain significance for Autosomal dominant limb-girdle muscular dystrophy type 1G. Last evaluated: 2025-12-10. Review status: criteria provided, single submitter. Criteria: Invitae Variant Classification Sherloc (09022015). Collection method: clinical testing. Allele origin: germline.
Comment: This sequence change replaces aspartic acid, which is acidic and polar, with alanine, which is neutral and non-polar, at codon 84 of the HNRNPDL protein (p.Asp84Ala). This variant is not present in population databases (gnomAD no frequency). This variant has not been reported in the literature in individuals affected with HNRNPDL-related conditions. An algorithm developed to predict the effect of missense changes on protein structure and function (PolyPhen-2) suggests that this variant is likely to be disruptive. In summary, the available evidence is currently insufficient to determine the role of this variant in disease. Therefore, it has been classified as a Variant of Uncertain Significance.